The following is an entry in ClinVar:

NM_014043.4(CHMP2B):c.26C>G (p.Thr9Ser)

Gene: CHMP2B (charged multivesicular body protein 2B; plus strand). Cytogenetic location: 3p11.2.
Variant type: single nucleotide variant.
Coding change: c.26C>G on transcript NM_014043.4 (MANE Select); coding-DNA position 26, C replaced by G.
Protein change: p.Thr9Ser; replaces threonine 9 with serine.
Molecular consequence: missense variant. On other transcripts: 5 prime UTR variant (2).
Genome position (GRCh38, 1-based): chr3:87,227,548, C>G. VCF-style: chr3-87227548-C-G. GRCh37 (hg19) VCF-style: chr3-87276698-C-G.
Other names: c.-6C>G (NM_001244644.2, NM_001410777.1); short protein forms T9S.
Identifiers: ClinVar variation 4790726 (VCV004790726.1).

ClinVar aggregate classification (germline): Uncertain significance (1 of 4 stars; one submission).

Conditions:
Frontotemporal dementia and/or amyotrophic lateral sclerosis 7 (FTDALS7). Also called: CHMP2B-Related Frontotemporal Dementia-Amyotrophic Lateral Sclerosis; AMYOTROPHIC LATERAL SCLEROSIS, CHMP2B-RELATED; Amyotrophic lateral sclerosis 17; CHMP2B-related frontotemporal dementia. Identifiers: Orphanet 275864, Orphanet 282, Orphanet 803, MedGen C1833296, MONDO:0010936, OMIM 600795.

Submission:

Labcorp Genetics (formerly Invitae), Labcorp
Classification: Uncertain significance for Frontotemporal dementia and/or amyotrophic lateral sclerosis 7. Last evaluated: 2025-08-22. Review status: criteria provided, single submitter. Criteria: Invitae Variant Classification Sherloc (09022015). Collection method: clinical testing. Allele origin: germline.
Comment: This sequence change replaces threonine, which is neutral and polar, with serine, which is neutral and polar, at codon 9 of the CHMP2B protein (p.Thr9Ser). This variant is not present in population databases (gnomAD no frequency). This variant has not been reported in the literature in individuals affected with CHMP2B-related conditions. An algorithm developed to predict the effect of missense changes on protein structure and function (PolyPhen-2) suggests that this variant is likely to be tolerated. In summary, the available evidence is currently insufficient to determine the role of this variant in disease. Therefore, it has been classified as a Variant of Uncertain Significance.